The following is an entry in ClinVar:

NM_016035.5(COQ4):c.103G>C (p.Gly35Arg)

Gene: COQ4 (coenzyme Q4; plus strand). Cytogenetic location: 9q34.11.
Variant type: single nucleotide variant.
Coding change: c.103G>C on transcript NM_016035.5 (MANE Select); coding-DNA position 103, G replaced by C.
Protein change: p.Gly35Arg; replaces glycine 35 with arginine.
Molecular consequence: missense variant.
Genome position (GRCh38, 1-based): chr9:128,323,048, G>C. VCF-style: chr9-128323048-G-C. GRCh37 (hg19) VCF-style: chr9-131085327-G-C.
Other names: c.103G>C, p.Gly35Arg (NM_001305942.2); c.103G>C (NM_016035.3); short protein forms G35R.
Identifiers: ClinVar variation 641543 (VCV000641543.10), dbSNP rs141078819, ClinGen allele CA5260408.
Genomic context (GRCh38, chr9:128,323,048, plus strand): 5'-TGACCTCGGCCTTTTTCTTGCCCCGCAGAAATGCCCCTCCGGGCTAGGAGCGACGGCGCC[G>C]GCCCGCTATACTCGCACCACCTCCCCACCTCCCCGCTGCAGAAAGGGCTGTTGGCCGCCG-3'
Protein context (NP_057119.3, residues 25-45): MPLRARSDGA[Gly35Arg]PLYSHHLPTS

ClinVar aggregate classification (germline): Uncertain significance. Review status: criteria provided, multiple submitters, no conflicts (2 of 4 stars). 4 submissions from 4 submitters: Uncertain significance (4). Last evaluated 2025-12-04.

Conditions:
Neonatal encephalomyopathy-cardiomyopathy-respiratory distress syndrome. Also called: Coenzyme Q10 deficiency, primary, 7. Identifiers: Orphanet 457185, MedGen C5568562, MONDO:0014562, OMIM 616276.
Inborn genetic diseases. Identifiers: MedGen C0950123, MeSH D030342.

Allele frequency attached by ClinVar (database versions not stated): TOPMed 0.00010.

Submissions (4):

Ambry Genetics
Classification: Uncertain significance for Inborn genetic diseases. Last evaluated: 2025-12-04. Review status: criteria provided, single submitter. Criteria: Ambry Variant Classification Scheme 2023. Collection method: clinical testing. Allele origin: germline.

GeneDx
Classification: Uncertain significance. Last evaluated: 2025-08-23. Review status: criteria provided, single submitter. Criteria: GeneDx Variant Classification Process June 2021. Collection method: clinical testing. Allele origin: germline.
Comment: In silico analysis suggests that this missense variant does not alter protein structure/function; Has not been previously published as pathogenic or benign to our knowledge

Labcorp Genetics (formerly Invitae), Labcorp
Classification: Uncertain significance for Neonatal encephalomyopathy-cardiomyopathy-respiratory distress syndrome. Last evaluated: 2022-09-01. Review status: criteria provided, single submitter. Criteria: Invitae Variant Classification Sherloc (09022015). Collection method: clinical testing. Allele origin: germline.
Comment: This sequence change replaces glycine, which is neutral and non-polar, with arginine, which is basic and polar, at codon 35 of the COQ4 protein (p.Gly35Arg). This variant is present in population databases (rs141078819, gnomAD 0.04%). This variant has not been reported in the literature in individuals affected with COQ4-related conditions. ClinVar contains an entry for this variant (Variation ID: 641543). Algorithms developed to predict the effect of missense changes on protein structure and function output the following: SIFT: "Tolerated"; PolyPhen-2: "Benign"; Align-GVGD: "Class C0". The arginine amino acid residue is found in multiple mammalian species, which suggests that this missense change does not adversely affect protein function. In summary, the available evidence is currently insufficient to determine the role of this variant in disease. Therefore, it has been classified as a Variant of Uncertain Significance.

Breakthrough Genomics
Classification: Uncertain significance. Review status: criteria provided, single submitter. Criteria: ACMG Guidelines, 2015. Collection method: not provided. Allele origin: germline. Inheritance: Autosomal recessive inheritance. Affected: yes.